The following is an entry in ClinVar:

ClinVar aggregate classification (germline): Likely pathogenic (1 of 4 stars; one submission).

Submission:

Mayo Clinic Laboratories, Mayo Clinic
Classification: Likely pathogenic. Last evaluated: 2025-06-23. Review status: criteria provided, single submitter. Criteria: ACMG Guidelines, 2015. Collection method: clinical testing. Allele origin: germline. Observed: 1 variant allele.
Comment: PM2_supporting, PVS1

NM_001042492.3(NF1):c.617dup (p.Val207fs)

Gene: NF1 (neurofibromin 1; plus strand). Cytogenetic location: 17q11.2.
Variant type: Duplication.
Coding change: c.617dup on transcript NM_001042492.3 (MANE Select); coding-DNA position 617, one base duplicated (A; older notation c.617dupA).
Protein change: p.Val207fs; shifts the reading frame from valine 207.
Molecular consequence: frameshift variant.
Genome position (GRCh38, 1-based): chr17:31,181,452, A duplicated; the last of 2 consecutive A bases (chr17:31,181,451-31,181,452); duplicating either gives the same sequence. VCF-style (leftmost placement, unchanged base first): chr17-31181450-G-GA. GRCh37 (hg19) VCF-style: chr17-29508468-G-GA.
Other names: p.Val207Glyfs*9; c.617dup, p.Val207fs (NM_000267.4, NM_001128147.3); short protein forms V207fs.
Identifiers: ClinVar variation 4542142 (VCV004542142.1).